The following is an entry in ClinVar:

ClinVar aggregate classification (germline): Likely benign (1 of 4 stars; one submission).

Allele frequency attached by ClinVar (database versions not stated): ESP Exome Variant Server 0.00062; ExAC 0.00098; gnomAD exomes 0.00098.
gnomAD v4.1: 1,561 of 1,610,792 alleles (0.097%); highest among the groups gnomAD compares: Non-Finnish European, 0.12%; 3 homozygotes.

Submission:

CeGaT Center for Human Genetics Tuebingen
Classification: Likely benign. Last evaluated: 2024-11-01. Review status: criteria provided, single submitter. Criteria: CeGaT Center For Human Genetics Tuebingen Variant Classification Criteria Version 2. Collection method: clinical testing. Allele origin: germline. Affected: yes. Observed: 4 variant alleles.
Comment: XRCC1: BP4

NM_006297.3(XRCC1):c.1676G>A (p.Arg559Gln)

Gene: XRCC1 (X-ray repair cross complementing 1; minus strand). Cytogenetic location: 19q13.31.
Variant type: single nucleotide variant.
Coding change: c.1676G>A on transcript NM_006297.3 (MANE Select); coding-DNA position 1676, G replaced by A.
Protein change: p.Arg559Gln; replaces arginine 559 with glutamine.
Molecular consequence: missense variant.
Genome position (GRCh38, 1-based): chr19:43,544,180, C>T on the plus strand (G>A on the coding strand, the complement: XRCC1 is on the minus strand). VCF-style: chr19-43544180-C-T. GRCh37 (hg19) VCF-style: chr19-44048332-C-T.
Other names: short protein forms R559Q.
Identifiers: ClinVar variation 1879445 (VCV001879445.29), dbSNP rs2307167, ClinGen allele CA9488301.